The following is an entry in ClinVar:

NC_000016.9:g.(?_88493878)_(88507164_?)dup

Gene: ZNF469 (zinc finger protein 469; plus strand). Cytogenetic location: 16q24.2.
Variant type: Duplication.
Identifiers: ClinVar variation 2423760 (VCV002423760.4).

ClinVar aggregate classification (germline): Uncertain significance (1 of 4 stars; one submission).

Submission:

Labcorp Genetics (formerly Invitae), Labcorp
Classification: Uncertain significance. Last evaluated: 2022-01-19. Review status: criteria provided, single submitter. Criteria: Invitae Variant Classification Sherloc (09022015). Collection method: clinical testing. Allele origin: germline.
Comment: In summary, the available evidence is currently insufficient to determine the role of this variant in disease. Therefore, it has been classified as a Variant of Uncertain Significance. This variant has not been reported in the literature in individuals affected with ZNF469-related conditions. This sequence change is a complex rearrangement that results in a gain of the entire coding sequence of the ZNF469 gene. The boundaries of this event are unknown as they extend beyond the assayed region for this gene and therefore may encompass additional genes. There is also some indication that part of exon 2 could be disrupted, but the exact nature of this event is unknown.